The following is an entry in ClinVar:

NM_001276345.2(TNNT2):c.421C>G (p.Arg141Gly)

Gene: TNNT2 (troponin T2, cardiac type; minus strand). Cytogenetic location: 1q32.1.
Variant type: single nucleotide variant.
Coding change: c.421C>G on transcript NM_001276345.2 (MANE Select); coding-DNA position 421, C replaced by G.
Protein change: p.Arg141Gly; replaces arginine 141 with glycine.
Molecular consequence: missense variant.
Genome position (GRCh38, 1-based): chr1:201,364,366, G>C on the plus strand (C>G on the coding strand, the complement: TNNT2 is on the minus strand). VCF-style: chr1-201364366-G-C. GRCh37 (hg19) VCF-style: chr1-201333494-G-C.
Other names: c.421C>G, p.Arg141Gly (NM_000364.4); c.391C>G, p.Arg131Gly (NM_001001430.3, NM_001001431.3, NM_001276347.2); c.376C>G, p.Arg126Gly (NM_001001432.3); c.301C>G, p.Arg101Gly (NM_001276346.2); short protein forms R131G, R141G, R101G, R126G.
Identifiers: ClinVar variation 389145 (VCV000389145.3), dbSNP rs74315380, ClinGen allele CA16603524.

ClinVar aggregate classification (germline): Conflicting classifications of pathogenicity. Review status: criteria provided, conflicting classifications (1 of 4 stars). 2 submissions from 2 submitters: Likely pathogenic (1); Uncertain significance (1). Last evaluated 2024-10-03.

Conditions:
Dilated cardiomyopathy 1D. Identifiers: Orphanet 154, Orphanet 54260, MedGen C1832243, MONDO:0011095, OMIM 601494.
Cardiomyopathy, familial restrictive, 3. Identifiers: Orphanet 75249, MedGen C2676271, MONDO:0012900, OMIM 612422.
Hypertrophic cardiomyopathy 2. Also called: TNNT2-Related Familial Hypertrophic Cardiomyopathy. Identifiers: MedGen C1861864, MONDO:0007266, OMIM 115195.

Submissions (2):

Labcorp Genetics (formerly Invitae), Labcorp
Classification: Uncertain significance for Cardiomyopathy, familial restrictive, 3; Hypertrophic cardiomyopathy 2; Dilated cardiomyopathy 1D. Last evaluated: 2024-10-03. Review status: criteria provided, single submitter. Criteria: Invitae Variant Classification Sherloc (09022015). Collection method: clinical testing. Allele origin: germline.
Comment: This sequence change replaces arginine, which is basic and polar, with glycine, which is neutral and non-polar, at codon 131 of the TNNT2 protein (p.Arg131Gly). This variant is not present in population databases (gnomAD no frequency). This variant has not been reported in the literature in individuals affected with TNNT2-related conditions. ClinVar contains an entry for this variant (Variation ID: 389145). Invitae Evidence Modeling of protein sequence and biophysical properties (such as structural, functional, and spatial information, amino acid conservation, physicochemical variation, residue mobility, and thermodynamic stability) has been performed for this missense variant. However, the output from this modeling did not meet the statistical confidence thresholds required to predict the impact of this variant on TNNT2 protein function. This variant disrupts the p.Arg131 amino acid residue in TNNT2. Other variant(s) that disrupt this residue have been determined to be pathogenic (PMID: 29367541; internal data). This suggests that this residue is clinically significant, and that variants that disrupt this residue are likely to be disease-causing. In summary, the available evidence is currently insufficient to determine the role of this variant in disease. Therefore, it has been classified as a Variant of Uncertain Significance.

GeneDx
Classification: Likely pathogenic. Last evaluated: 2016-09-07. Review status: criteria provided, single submitter. Criteria: GeneDx Variant Classification (06012015). Collection method: clinical testing. Allele origin: germline. Affected: yes.
Comment: The novel R131G likely pathogenic variant in the TNNT2 gene has not been published as a pathogenic or benign variant to our knowledge. This variant was not observed in approximately 6,500 individuals of European and African American ancestry in the NHLBI Exome Sequencing Project, indicating it is not a common benign variant in these populations. The R131G variant is a non-conservative amino acid substitution, which is likely to impact secondary protein structure as these residues differ in polarity, charge, size and/or other properties. This substitution also occurs at a position that is conserved across species. Consequently, in silico analysis predicts this variant is probably damaging to the protein structure/function. Furthermore, a missense variant in the same residue (R131W) has been reported in the Human Gene Mutation Database in association with DCM (Stenson et al., 2014), supporting the functional importance of this residue of the protein. Therefore, this variant is likely pathogenic.

Literature cited by the submitters: PubMed 29367541 (cited by Labcorp Genetics (formerly Invitae), Labcorp).